The following is an entry in ClinVar:

ClinVar aggregate classification (germline): Benign/Likely benign. Review status: criteria provided, multiple submitters, no conflicts (2 of 4 stars). 4 submissions from 4 submitters: Benign (1); Likely benign (3). Last evaluated 2025-11-13.

Conditions:
Papillary renal cell carcinoma type 1 (RCCP1). Also called: RENAL CELL CARCINOMA, PAPILLARY, 1, SOMATIC; Renal adenocarcinoma; Renal cell carcinoma 1; Renal cell carcinoma, somatic. Identifiers: Orphanet 47044, MedGen C1336839, OMIM 605074, HP:0011797.
Renal cell carcinoma. Identifiers: Orphanet 217071, MedGen C0007134, MeSH D002292, MONDO:0005086, HP:0005584.
Hereditary cancer-predisposing syndrome. Also called: Neoplastic Syndromes, Hereditary; Hereditary Cancer Syndrome; Tumor predisposition; Hereditary neoplastic syndrome. Identifiers: Orphanet 140162, MedGen C0027672, MeSH D009386, MONDO:0015356.

Allele frequency attached by ClinVar (database versions not stated): TOPMed 0.00001; gnomAD 0.00003.
gnomAD v4.1: 10 of 1,613,974 alleles (0.00062%); highest among the groups gnomAD compares: Middle Eastern, 0.033%; no homozygotes.

Submissions (4):

Labcorp Genetics (formerly Invitae), Labcorp
Classification: Likely benign for Renal cell carcinoma. Last evaluated: 2025-11-13. Review status: criteria provided, single submitter. Criteria: Invitae Variant Classification Sherloc (09022015). Collection method: clinical testing. Allele origin: germline.

Center for Genomic Medicine, Rigshospitalet, Copenhagen University Hospital
Classification: Likely benign. Last evaluated: 2025-03-04. Review status: criteria provided, single submitter. Criteria: ACMG Guidelines, 2015. Collection method: clinical testing. Allele origin: germline.

Myriad Genetics, Inc.
Classification: Benign for Papillary renal cell carcinoma type 1. Last evaluated: 2024-11-06. Review status: criteria provided, single submitter. Criteria: Myriad Autosomal Dominant, Autosomal Recessive and X-Linked Classification Criteria (2023). Collection method: clinical testing. Allele origin: unknown.
Comment: This variant is considered benign. This variant is a silent/synonymous amino acid change and it is not expected to impact splicing.

Ambry Genetics
Classification: Likely benign for Hereditary cancer-predisposing syndrome. Last evaluated: 2018-10-02. Review status: criteria provided, single submitter. Criteria: Ambry Variant Classification Scheme 2023. Collection method: clinical testing. Allele origin: germline.

NM_000245.4(MET):c.666G>A (p.Thr222=)

Gene: MET (MET proto-oncogene, receptor tyrosine kinase; plus strand). Cytogenetic location: 7q31.2.
Variant type: single nucleotide variant.
Coding change: c.666G>A on transcript NM_000245.4 (MANE Select); coding-DNA position 666, G replaced by A.
Protein change: p.Thr222=; no amino-acid change (threonine 222 retained).
Molecular consequence: synonymous variant. On other transcripts: intron variant (1).
Genome position (GRCh38, 1-based): chr7:116,699,750, G>A. VCF-style: chr7-116699750-G-A. GRCh37 (hg19) VCF-style: chr7-116339804-G-A.
Other names: c.666G>A, p.Thr222= (NM_001127500.3, NM_001324401.3); c.-91+27173G>A (NM_001324402.2).
Identifiers: ClinVar variation 742682 (VCV000742682.17), dbSNP rs1444020594, ClinGen allele CA457447833.
Genomic context (GRCh38, chr7:116,699,750, plus strand): 5'-TTCTTCTTATTTCCCAGATCATCCATTGCATTCGATATCAGTGAGAAGGCTAAAGGAAAC[G>A]AAAGATGGTTTTATGTTTTTGACGGACCAGTCCTACATTGATGTTTTACCTGAGTTCAGA-3'
Protein context (NP_000236.2, residues 212-232): HSISVRRLKE[Thr222=]KDGFMFLTDQ